The following is an entry in ClinVar:

ClinVar aggregate classification (germline): Uncertain significance (1 of 4 stars; one submission).

Conditions:
Immunodeficiency 23 (IMD23). Also called: IMMUNODEFICIENCY WITH HYPER IgE AND COGNITIVE IMPAIRMENT; IMMUNODEFICIENCY-VASCULITIS-MYOCLONUS SYNDROME. Identifiers: Orphanet 443811, MedGen C4014371, MONDO:0014353, OMIM 615816.

Allele frequency attached by ClinVar (database versions not stated): gnomAD exomes below 0.00001.
gnomAD v4.1: 1 of 1,606,750 alleles (0.000062%); highest among the groups gnomAD compares: Admixed American, 0.0017%; no homozygotes.

Submission:

Labcorp Genetics (formerly Invitae), Labcorp
Classification: Uncertain significance for Immunodeficiency 23. Last evaluated: 2022-06-09. Review status: criteria provided, single submitter. Criteria: Invitae Variant Classification Sherloc (09022015). Collection method: clinical testing. Allele origin: germline.
Comment: This variant has not been reported in the literature in individuals affected with PGM3-related conditions. This variant is not present in population databases (gnomAD no frequency). This sequence change falls in intron 3 of the PGM3 gene. It does not directly change the encoded amino acid sequence of the PGM3 protein. Algorithms developed to predict the effect of sequence changes on RNA splicing suggest that this variant may create or strengthen a splice site. In summary, the available evidence is currently insufficient to determine the role of this variant in disease. Therefore, it has been classified as a Variant of Uncertain Significance.

NM_015599.3(PGM3):c.204+9T>G

Gene: PGM3 (phosphoglucomutase 3; minus strand). Cytogenetic location: 6q14.1.
Variant type: single nucleotide variant.
Coding change: c.204+9T>G on transcript NM_015599.3 (MANE Select); 9 bases into the intron after coding-DNA position 204, T replaced by G.
Molecular consequence: intron variant.
Genome position (GRCh38, 1-based): chr6:83,190,800, A>C on the plus strand (T>G on the coding strand, the complement: PGM3 is on the minus strand). VCF-style: chr6-83190800-A-C. GRCh37 (hg19) VCF-style: chr6-83900519-A-C.
Other names: c.-39-2002T>G (NM_001199918.2); c.204+9T>G (NM_001367286.1, NM_001199919.2); c.288+9T>G (NM_001367287.1, NM_001199917.2).
Identifiers: ClinVar variation 2003763 (VCV002003763.4), dbSNP rs2538232906, ClinGen allele CA2580075928.